The following is an entry in ClinVar:

ClinVar aggregate classification (germline): Pathogenic. Review status: criteria provided, multiple submitters, no conflicts (2 of 4 stars). 2 submissions from 2 submitters: Pathogenic (2). Last evaluated 2025-10-07.

Conditions:
Leber congenital amaurosis 8 (LCA8). Identifiers: Orphanet 65, MedGen C3151202, MONDO:0013453, OMIM 613835.
Leber congenital amaurosis (LCA). Also called: Leber's amaurosis. Identifiers: Orphanet 65, MedGen C0339527, MeSH D057130, MONDO:0018998.

Submissions (2):

Natera, Inc.
Classification: Pathogenic for Leber congenital amaurosis. Last evaluated: 2025-10-07. Review status: criteria provided, single submitter. Criteria: Natera Variant Classification Schema (03/2026). Collection method: clinical testing. Allele origin: germline.
Comment: The c.1478del variant in CRB1 is a frameshift variant predicted to shift the reading frame beginning at codon 493 and leads to a stop codon 9 codons downstream. This variant is expected to result in nonsense mediated decay, truncation, or a dysfunctional protein product. This variant is rare in the general population with a frequency below the threshold expected for the associated phenotype(s). This variant has been observed in one or more individuals affected with the associated recessive disease, as either homozygous or compound heterozygous with a second variant (PMID: 33342761). Given the available evidence, this variant is classified as Pathogenic.

Juno Genomics, Hangzhou Juno Genomics, Inc
Classification: Pathogenic for Leber congenital amaurosis 8. Review status: criteria provided, single submitter. Criteria: ACMG Guidelines, 2015. Collection method: clinical testing. Allele origin: germline. Affected: yes.
Comment: Absent from controls (or at extremely low frequency if recessive) in Genome Aggregation Database, Exome Sequencing Project, 1000 Genomes Project, or Exome Aggregation Consortium.;Null variant in a gene where loss of function (LOF) is a known mechanism of disease.;For recessive disorders, detected in trans with a pathogenic variant.;Patient's phenotype or family history is highly specific for a disease with a single genetic etiology.

Literature cited by the submitters: PubMed 33342761 (cited by Natera, Inc.).

NM_201253.3(CRB1):c.1478del (p.Phe493fs)

Gene: CRB1 (crumbs cell polarity complex component 1; plus strand). Cytogenetic location: 1q31.3.
Variant type: Deletion.
Coding change: c.1478del on transcript NM_201253.3 (MANE Select); coding-DNA position 1478, one base deleted (T; older notation c.1478delT).
Protein change: p.Phe493fs; shifts the reading frame from phenylalanine 493.
Molecular consequence: frameshift variant. On other transcripts: non-coding transcript variant (2).
Genome position (GRCh38, 1-based): chr1:197,421,306, T deleted; the last of 2 consecutive T bases (chr1:197,421,305-197,421,306); deleting either gives the same sequence. VCF-style (leftmost placement, unchanged base first): chr1-197421304-CT-C. GRCh37 (hg19) VCF-style: chr1-197390434-CT-C.
Other names: c.1142del, p.Phe381fs (NM_001193640.2); c.1271del, p.Phe424fs (NM_001257965.2); c.1478del, p.Phe493fs (NM_001257966.2); c.1478del (NM_201253.2); short protein forms F381fs, F424fs, F493fs.
Identifiers: ClinVar variation 3382183 (VCV003382183.3).